The following is an entry in ClinVar:

NM_002296.4(LBR):c.899A>C (p.Tyr300Ser)

Gene: LBR (lamin B receptor; minus strand). Cytogenetic location: 1q42.12.
Variant type: single nucleotide variant.
Coding change: c.899A>C on transcript NM_002296.4 (MANE Select); coding-DNA position 899, A replaced by C.
Protein change: p.Tyr300Ser; replaces tyrosine 300 with serine.
Molecular consequence: missense variant.
Genome position (GRCh38, 1-based): chr1:225,412,639, T>G on the plus strand (A>C on the coding strand, the complement: LBR is on the minus strand). VCF-style: chr1-225412639-T-G. GRCh37 (hg19) VCF-style: chr1-225600341-T-G.
Other names: c.899A>C, p.Tyr300Ser (NM_194442.3); short protein forms Y300S.
Identifiers: ClinVar variation 4982188 (VCV004982188.1).
Genomic context (GRCh38, chr1:225,412,639, plus strand): 5'-TGAAACTCTACGCCCTGGAAGAGAGATGTTCCGATGACTGCAGATGTCAGGATAAAAGCA[T>G]AGAATCCTTTAAAAAAAAAAAAAAAAGGAAGTGGAAAATTAATATTAACCCAAGGCTCAC-3'
Protein context (NP_002287.2, residues 290-310): RRLKYRLNGF[Tyr300Ser]AFILTSAVIG

ClinVar aggregate classification (germline): Likely benign (1 of 4 stars; one submission).

Conditions:
LBR-related disorder. Also called: LBR-related condition; LBR-related disorders.

Submission:

PreventionGenetics, part of Exact Sciences
Classification: Likely benign for LBR-related condition. Last evaluated: 2024-12-23. Review status: criteria provided, single submitter. Criteria: ACMG Guidelines, 2015. Collection method: clinical testing. Allele origin: germline.
Comment: This variant is classified as likely benign based on ACMG/AMP sequence variant interpretation guidelines (Richards et al. 2015 PMID: 25741868, with internal and published modifications).